The following is an entry in ClinVar:

ClinVar aggregate classification (germline): Pathogenic (1 of 4 stars; one submission).

Conditions:
Mucopolysaccharidosis, MPS-II (MPS2). Also called: Hunter Syndrome; IDURONATE 2-SULFATASE DEFICIENCY; Mucopolysaccharidosis Type II; Mucopolysaccharidosis type 2; Attenuated MPS (subtype; formerly known as mild MPS II); Severe MPS II. Identifiers: Orphanet 580, Orphanet 79388, MedGen C0026705, MONDO:0010674, OMIM 309900.

Submission:

Laboratory of Diagnosis and Therapy of Lysosomal Disorders, University of Padova
Classification: Pathogenic for Mucopolysaccharidosis, MPS-II. Last evaluated: 2024-06-07. Review status: criteria provided, single submitter. Criteria: ACMG Guidelines, 2015. Collection method: literature only. Allele origin: germline. Affected: yes. Observed: 1 variant allele.
Comment: Null variant (PVS1_Strong), Absent from controls (or at low frequency) in gnomAD database (PM2_Moderate), Patient’s phenotype or family history highly specific for the disease (PP4_Strong)

Classification method: ACMG Guidelines [PMID:25741868] with modifications

Literature cited by the submitters: PubMed 36945845.

NM_000202.8(IDS):c.1561del (p.Glu521fs)

Gene: IDS (iduronate 2-sulfatase; minus strand). Cytogenetic location: Xq28.
Variant type: Deletion.
Coding change: c.1561del on transcript NM_000202.8 (MANE Select); coding-DNA position 1561, one base deleted (G; older notation c.1561delG).
Protein change: p.Glu521fs; shifts the reading frame from glutamic acid 521.
Molecular consequence: frameshift variant.
Genome position (GRCh38, 1-based): chrX:149,482,838, C deleted on the plus strand (G on the coding strand, the reverse complement: IDS is on the minus strand); the first of 4 consecutive C bases (chrX:149,482,838-149,482,841); deleting any one gives the same sequence. VCF-style (leftmost placement, unchanged base first): chrX-149482837-TC-T. GRCh37 (hg19) VCF-style: chrX-148564368-TC-T.
Other names: c.1291del, p.Glu431fs (NM_001166550.4); short protein forms E431fs, E521fs.
Identifiers: ClinVar variation 3256081 (VCV003256081.2).
Genomic context (GRCh38, chrX:149,482,837, plus strand): 5'-CCTTGGGAATCATTATACATATTGTGATCCTGCAATGGGTCAGAATCCACAAAATACAGT[TC>T]CCCTGCATGGATGTCAGAAAAGTTAGCTAGAAATTCATCAGGATTGAAGCCAACCCACAC-3'